The following is an entry in ClinVar:

NM_001271938.2(MEGF8):c.7731C>T (p.Tyr2577=)

Gene: MEGF8 (multiple EGF like domains 8; plus strand). Cytogenetic location: 19q13.2.
Variant type: single nucleotide variant.
Coding change: c.7731C>T on transcript NM_001271938.2 (MANE Select); coding-DNA position 7731, C replaced by T.
Protein change: p.Tyr2577=; no amino-acid change (tyrosine 2577 retained).
Molecular consequence: synonymous variant.
Genome position (GRCh38, 1-based): chr19:42,375,968, C>T. VCF-style: chr19-42375968-C-T. GRCh37 (hg19) VCF-style: chr19-42880120-C-T.
Other names: c.7530C>T, p.Tyr2510= (NM_001410.3).
Identifiers: ClinVar variation 473349 (VCV000473349.16), dbSNP rs3745237, ClinGen allele CA9476247.

ClinVar aggregate classification (germline): Benign/Likely benign. Review status: criteria provided, multiple submitters, no conflicts (2 of 4 stars). 4 submissions from 4 submitters: Benign (3); Likely benign (1). Last evaluated 2026-02-01.

Conditions:
MEGF8-related disorder. Also called: MEGF8-related condition.
MEGF8-related Carpenter syndrome. Also called: Carpenter syndrome 2. Identifiers: Orphanet 65759, MedGen C3554247, MONDO:0013998, OMIM 614976.

Allele frequency attached by ClinVar (database versions not stated): gnomAD 0.00153 and 0.00213; gnomAD exomes 0.00186 and 0.00462; TOPMed 0.00288; ExAC 0.00482; 1000 Genomes Project 30x 0.01031; 1000 Genomes Project 0.01038.
gnomAD v4.1: 3,015 of 1,606,896 alleles (0.19%); highest among the groups gnomAD compares: East Asian, 5.9%; 76 homozygotes.

Submissions (4):

Labcorp Genetics (formerly Invitae), Labcorp
Classification: Benign for MEGF8-related Carpenter syndrome. Last evaluated: 2026-02-01. Review status: criteria provided, single submitter. Criteria: Invitae Variant Classification Sherloc (09022015). Collection method: clinical testing. Allele origin: germline.

PreventionGenetics, part of Exact Sciences
Classification: Benign for MEGF8-related condition. Last evaluated: 2025-01-01. Review status: criteria provided, single submitter. Criteria: ACMG Guidelines, 2015. Collection method: clinical testing. Allele origin: germline.
Comment: This variant is classified as benign based on ACMG/AMP sequence variant interpretation guidelines (Richards et al. 2015 PMID: 25741868, with internal and published modifications).

Blueprint Genetics
Classification: Likely benign. Last evaluated: 2024-11-21. Review status: criteria provided, single submitter. Criteria: ACMG Guidelines, 2015. Collection method: clinical testing. Allele origin: germline.

GeneDx
Classification: Benign. Last evaluated: 2019-10-30. Review status: criteria provided, single submitter. Criteria: GeneDx Variant Classification Process June 2021. Collection method: clinical testing. Allele origin: germline. Affected: yes.